The following is an entry in ClinVar:

NM_015311.3(OBSL1):c.4095G>C (p.Glu1365Asp)

Gene: OBSL1 (obscurin like cytoskeletal adaptor 1; minus strand). Cytogenetic location: 2q35.
Variant type: single nucleotide variant.
Coding change: c.4095G>C on transcript NM_015311.3 (MANE Select); coding-DNA position 4095, G replaced by C.
Protein change: p.Glu1365Asp; replaces glutamic acid 1365 with aspartic acid.
Molecular consequence: missense variant.
Genome position (GRCh38, 1-based): chr2:219,556,695, C>G on the plus strand (G>C on the coding strand, the complement: OBSL1 is on the minus strand). VCF-style: chr2-219556695-C-G. GRCh37 (hg19) VCF-style: chr2-220421417-C-G.
Other names: c.4095G>C, p.Glu1365Asp (NM_001173431.2); short protein forms E1365D.
Identifiers: ClinVar variation 334483 (VCV000334483.23), dbSNP rs1983210, ClinGen allele CA2130663.

ClinVar aggregate classification (germline): Benign. Review status: criteria provided, multiple submitters, no conflicts (2 of 4 stars). 8 submissions from 8 submitters: Benign (6). 2 of the submissions do not count toward it. Last evaluated 2026-05-08.

Conditions:
3M syndrome 2. Also called: 3-M Syndrome, OBSL1-Related; THREE M SYNDROME 2. Identifiers: Orphanet 2616, MedGen C2752041, MONDO:0013039, OMIM 612921.

Allele frequency attached by ClinVar (database versions not stated): TOPMed 0.69141; gnomAD 0.69535; ESP Exome Variant Server 0.70120; 1000 Genomes Project 30x 0.71565; 1000 Genomes Project 0.72464; gnomAD exomes 0.73729 and 0.73836; ExAC 0.74606.

Submissions (8):

Women's Health and Genetics/Laboratory Corporation of America, LabCorp
Classification: Benign. Last evaluated: 2026-05-08. Review status: criteria provided, single submitter. Criteria: LabCorp Variant Classification Summary - May 2015. Collection method: clinical testing. Allele origin: germline.

Labcorp Genetics (formerly Invitae), Labcorp
Classification: Benign. Last evaluated: 2026-02-04. Review status: criteria provided, single submitter. Criteria: Invitae Variant Classification Sherloc (09022015). Collection method: clinical testing. Allele origin: germline.

Blueprint Genetics
Classification: Benign. Last evaluated: 2024-11-26. Review status: criteria provided, single submitter. Criteria: ACMG Guidelines, 2015. Collection method: clinical testing. Allele origin: germline.

Genome-Nilou Lab
Classification: Benign for 3M syndrome 2. Last evaluated: 2021-09-05. Review status: criteria provided, single submitter. Criteria: ACMG Guidelines, 2015. Collection method: clinical testing. Allele origin: germline. Affected: no.

Illumina Laboratory Services, Illumina
Classification: Benign for 3M syndrome 2. Last evaluated: 2018-01-13. Review status: criteria provided, single submitter. Criteria: ICSL Variant Classification Criteria 13 December 2019. Collection method: clinical testing. Allele origin: germline.
Comment: This variant was observed in the ICSL laboratory as part of a predisposition screen in an ostensibly healthy population. It had not been previously curated by ICSL or reported in the Human Gene Mutation Database (HGMD: prior to June 1st, 2018), and was therefore a candidate for classification through an automated scoring system. Utilizing variant allele frequency, disease prevalence and penetrance estimates, and inheritance mode, an automated score was calculated to assess if this variant is too frequent to cause the disease. Based on the score and internal cut-off values, a variant classified as benign is not then subjected to further curation. The score for this variant resulted in a classification of benign for this disease.

Breakthrough Genomics
Classification: Benign. Review status: criteria provided, single submitter. Criteria: ACMG Guidelines, 2015. Collection method: not provided. Allele origin: germline. Inheritance: Autosomal recessive inheritance. Affected: yes.

Diagnostic Laboratory, Department of Genetics, University Medical Center Groningen
Classification: Benign. Review status: no assertion criteria provided. Collection method: clinical testing. Allele origin: germline. Affected: yes. Study: VKGL Data-share Consensus. Not counted in ClinVar's aggregate classification.

Joint Genome Diagnostic Labs from Nijmegen and Maastricht, Radboudumc and MUMC+
Classification: Benign. Review status: no assertion criteria provided. Collection method: clinical testing. Allele origin: germline. Affected: yes. Study: VKGL Data-share Consensus. Not counted in ClinVar's aggregate classification.